The following is an entry in ClinVar:

ClinVar aggregate classification (germline): Uncertain significance (1 of 4 stars; one submission).

Conditions:
Developmental and epileptic encephalopathy, 42 (DEE42A). Also called: DEVELOPMENTAL AND EPILEPTIC ENCEPHALOPATHY 42A; EPILEPTIC ENCEPHALOPATHY, EARLY INFANTILE, 42A; Epileptic encephalopathy, early infantile, 42. Identifiers: MedGen C4310716, MONDO:0014917, OMIM 617106.
Episodic ataxia type 2 (EA2). Also called: ATAXIA, EPISODIC, WITH NYSTAGMUS; ATAXIA, FAMILIAL PAROXYSMAL; CEREBELLAR ATAXIA, PAROXYSMAL, ACETAZOLAMIDE-RESPONSIVE; CEREBELLOPATHY, HEREDITARY PAROXYSMAL; EPISODIC ATAXIA, NYSTAGMUS-ASSOCIATED; ACETAZOLAMIDE-RESPONSIVE HEREDITARY PAROXYSMAL CEREBELLAR ATAXIA. Identifiers: Orphanet 97, MedGen C1720416, MONDO:0007163, OMIM 108500.

Submission:

Labcorp Genetics (formerly Invitae), Labcorp
Classification: Uncertain significance for Developmental and epileptic encephalopathy, 42; Episodic ataxia type 2. Last evaluated: 2022-08-09. Review status: criteria provided, single submitter. Criteria: Invitae Variant Classification Sherloc (09022015). Collection method: clinical testing. Allele origin: germline.
Comment: In summary, the available evidence is currently insufficient to determine the role of this variant in disease. Therefore, it has been classified as a Variant of Uncertain Significance. Experimental studies and prediction algorithms are not available or were not evaluated, and the functional significance of this variant is currently unknown. A similar copy number variant has been observed in individual(s) with clinical features of CACNA1A-related conditions (Invitae). This variant results in a copy number gain of the genomic region encompassing exon(s) 44-47 of the CACNA1A gene. This region includes the termination codon of the gene. This copy number gain extends beyond the assayed region for this gene and therefore may encompass additional genes. As the precise location of this event is unknown, it may be in tandem or it may be located elsewhere in the genome.

NC_000019.9:g.(?_13318860)_(13321486_?)dup

Gene: CACNA1A (calcium voltage-gated channel subunit alpha1 A; minus strand). Cytogenetic location: 19p13.2.
Variant type: Duplication.
Identifiers: ClinVar variation 1466189 (VCV001466189.9).